The following is an entry in ClinVar:

ClinVar aggregate classification (germline): Uncertain significance (1 of 4 stars; one submission).

Submission:

Mayo Clinic Laboratories, Mayo Clinic
Classification: Uncertain significance. Last evaluated: 2025-04-30. Review status: criteria provided, single submitter. Criteria: ACMG Guidelines, 2015. Collection method: clinical testing. Allele origin: germline. Observed: 2 variant alleles.
Comment: BP4_moderate, PM2_supporting

NM_001009944.3(PKD1):c.5927T>C (p.Val1976Ala)

Gene: PKD1 (polycystin 1, transient receptor potential channel interacting; minus strand). Cytogenetic location: 16p13.3.
Variant type: single nucleotide variant.
Coding change: c.5927T>C on transcript NM_001009944.3 (MANE Select); coding-DNA position 5927, T replaced by C.
Protein change: p.Val1976Ala; replaces valine 1976 with alanine.
Molecular consequence: missense variant.
Genome position (GRCh38, 1-based): chr16:2,109,240, A>G on the plus strand (T>C on the coding strand, the complement: PKD1 is on the minus strand). VCF-style: chr16-2109240-A-G. GRCh37 (hg19) VCF-style: chr16-2159241-A-G.
Other names: p.Val1976Ala; c.5927T>C, p.Val1976Ala (NM_000296.4); short protein forms V1976A.
Identifiers: ClinVar variation 4541995 (VCV004541995.1).